The following is an entry in ClinVar:

NM_153717.3(EVC):c.1273C>T (p.Gln425Ter)

Gene: EVC (EvC ciliary complex subunit 1; plus strand). Cytogenetic location: 4p16.2.
Variant type: single nucleotide variant.
Coding change: c.1273C>T on transcript NM_153717.3 (MANE Select); coding-DNA position 1273, C replaced by T.
Protein change: p.Gln425Ter; replaces glutamine 425 with a stop codon.
Molecular consequence: nonsense.
Genome position (GRCh38, 1-based): chr4:5,753,010, C>T. VCF-style: chr4-5753010-C-T. GRCh37 (hg19) VCF-style: chr4-5754737-C-T.
Other names: c.1273C>T, p.Gln425Ter (NM_001306090.2, NM_001306092.2); short protein forms Q425*.
Identifiers: ClinVar variation 4816919 (VCV004816919.1).

ClinVar aggregate classification (germline): Likely pathogenic (1 of 4 stars; one submission).

Conditions:
Ellis-van Creveld syndrome (EVC). Also called: Chondroectodermal dysplasia; EVC-Related Ellis-van Creveld Syndrome; EVC2-Related Ellis-van Creveld Syndrome; MESOECTODERMAL DYSPLASIA. Identifiers: Orphanet 289, MedGen C0013903, MONDO:0009162, OMIM 225500.

gnomAD v4.1: 1 of 1,611,682 alleles (0.000062%); highest among the groups gnomAD compares: East Asian, 0.0022%; no homozygotes.

Submission:

Natera, Inc.
Classification: Likely pathogenic for Ellis-van Creveld syndrome. Last evaluated: 2025-07-21. Review status: criteria provided, single submitter. Criteria: Natera Variant Classification Schema (03/2026). Collection method: clinical testing. Allele origin: germline.
Comment: The c.1273C>T variant in EVC is a nonsense variant predicted to introduce a stop codon at amino acid 425. This variant is expected to result in nonsense mediated decay, truncation, or a dysfunctional protein product. This variant is rare in the general population with a frequency below the threshold expected for the associated phenotype(s). Given the available evidence, this variant is classified as Likely Pathogenic.